The following is an entry in ClinVar:

NM_006885.4(ZFHX3):c.948T>C (p.Ile316=)

Gene: ZFHX3 (zinc finger homeobox 3; minus strand). Cytogenetic location: 16q22.3.
Variant type: single nucleotide variant.
Coding change: c.948T>C on transcript NM_006885.4 (MANE Select); coding-DNA position 948, T replaced by C.
Protein change: p.Ile316=; no amino-acid change (isoleucine 316 retained).
Molecular consequence: synonymous variant. On other transcripts: intron variant (1).
Genome position (GRCh38, 1-based): chr16:72,959,198, A>G on the plus strand (T>C on the coding strand, the complement: ZFHX3 is on the minus strand). VCF-style: chr16-72959198-A-G. GRCh37 (hg19) VCF-style: chr16-72993097-A-G.
Other names: c.948T>C, p.Ile316= (NM_001386735.1); c.-23-8233T>C (NM_001164766.2); c.948T>C (NM_006885.3).
Identifiers: ClinVar variation 2646849 (VCV002646849.26), dbSNP rs117011203, ClinGen allele CA8164868.
Genomic context (GRCh38, chr16:72,959,198, plus strand): 5'-AAGGGGTTCCTTGTCTTTGCCGATCCCTTGGATGATAGCGGAGATGTTCTTATTGCTAAG[A>G]ATTTTCCGCTCGTCTTCGCTCAGGGTCATTCGATGGTCATGCACCGCGTGGGTCACAAAC-3'
Protein context (NP_008816.3, residues 306-326): RMTLSEDERK[Ile316=]LSNKNISAII

ClinVar aggregate classification (germline): Likely benign. Review status: criteria provided, multiple submitters, no conflicts (2 of 4 stars). 3 submissions from 3 submitters: Likely benign (2). 1 of the submissions does not count toward it. Last evaluated 2026-04-01.

Conditions:
ZFHX3-related disorder. Also called: ZFHX3-related condition.

Allele frequency attached by ClinVar (database versions not stated): 1000 Genomes Project 30x 0.00078; 1000 Genomes Project 0.00080; ESP Exome Variant Server 0.00100; TOPMed 0.00111; gnomAD 0.00123; ExAC 0.00175.
gnomAD v4.1: 2,889 of 1,614,174 alleles (0.18%); highest among the groups gnomAD compares: Non-Finnish European, 0.21%; 7 homozygotes.

Submissions (3):

CeGaT Center for Human Genetics Tuebingen
Classification: Likely benign. Last evaluated: 2026-04-01. Review status: criteria provided, single submitter. Criteria: CeGaT Center For Human Genetics Tuebingen Variant Classification Criteria Version 2. Collection method: clinical testing. Allele origin: germline. Affected: yes. Observed: 6 variant alleles.
Comment: ZFHX3: BP4, BP7

Blueprint Genetics
Classification: Likely benign. Last evaluated: 2024-11-26. Review status: criteria provided, single submitter. Criteria: ACMG Guidelines, 2015. Collection method: clinical testing. Allele origin: germline.

PreventionGenetics, part of Exact Sciences
Classification: Likely benign for ZFHX3-related condition. Last evaluated: 2019-08-21. Review status: no assertion criteria provided. Collection method: clinical testing. Allele origin: germline. Not counted in ClinVar's aggregate classification.
Comment: This variant is classified as likely benign based on ACMG/AMP sequence variant interpretation guidelines (Richards et al. 2015 PMID: 25741868, with internal and published modifications).